The following is an entry in ClinVar:

ClinVar aggregate classification (germline): Uncertain significance. Review status: criteria provided, multiple submitters, no conflicts (2 of 4 stars). 2 submissions from 2 submitters: Uncertain significance (2). Last evaluated 2024-10-08.

Allele frequency attached by ClinVar (database versions not stated): gnomAD 0.00001; gnomAD exomes 0.00001 and 0.00002; ExAC 0.00002; TOPMed 0.00003.
gnomAD v4.1: 16 of 1,613,898 alleles (0.00099%); highest among the groups gnomAD compares: Middle Eastern, 0.016%; no homozygotes.

Submissions (2):

Blueprint Genetics
Classification: Uncertain significance. Last evaluated: 2024-10-08. Review status: criteria provided, single submitter. Criteria: ACMG Guidelines, 2015. Collection method: clinical testing. Allele origin: germline.

Labcorp Genetics (formerly Invitae), Labcorp
Classification: Uncertain significance. Last evaluated: 2021-04-08. Review status: criteria provided, single submitter. Criteria: Invitae Variant Classification Sherloc (09022015). Collection method: clinical testing. Allele origin: germline.
Comment: This variant has not been reported in the literature in individuals with KIAA1549-related conditions. Algorithms developed to predict the effect of missense changes on protein structure and function output the following: SIFT: "Tolerated"; PolyPhen-2: "Benign"; Align-GVGD: "Class C0". The valine amino acid residue is found in multiple mammalian species, suggesting that this missense change does not adversely affect protein function. These predictions have not been confirmed by published functional studies and their clinical significance is uncertain. In summary, the available evidence is currently insufficient to determine the role of this variant in disease. Therefore, it has been classified as a Variant of Uncertain Significance. This variant is present in population databases (rs776144844, ExAC 0.006%). This sequence change replaces alanine with valine at codon 422 of the KIAA1549 protein (p.Ala422Val). The alanine residue is weakly conserved and there is a small physicochemical difference between alanine and valine.

NM_001164665.2(KIAA1549):c.1265C>T (p.Ala422Val)

Gene: KIAA1549 (KIAA1549; minus strand). Cytogenetic location: 7q34.
Variant type: single nucleotide variant.
Coding change: c.1265C>T on transcript NM_001164665.2 (MANE Select); coding-DNA position 1265, C replaced by T.
Protein change: p.Ala422Val; replaces alanine 422 with valine.
Molecular consequence: missense variant.
Genome position (GRCh38, 1-based): chr7:138,918,361, G>A on the plus strand (C>T on the coding strand, the complement: KIAA1549 is on the minus strand). VCF-style: chr7-138918361-G-A. GRCh37 (hg19) VCF-style: chr7-138603107-G-A.
Other names: c.1265C>T, p.Ala422Val (NM_020910.3); short protein forms A422V.
Identifiers: ClinVar variation 1520635 (VCV001520635.9), dbSNP rs776144844, ClinGen allele CA4506768.